The following is an entry in ClinVar:

NM_001017979.3(RAB28):c.70G>C (p.Gly24Arg)

Genes: RAB28 (RAB28, member RAS oncogene family; minus strand), LOC111828517 (Sharpr-MPRA regulatory regions 1971 and 3941; plus strand). Cytogenetic location: 4p15.33.
Variant type: single nucleotide variant.
Coding change: c.70G>C on transcript NM_001017979.3 (MANE Select); coding-DNA position 70, G replaced by C.
Protein change: p.Gly24Arg; replaces glycine 24 with arginine.
Molecular consequence: missense variant.
Genome position (GRCh38, 1-based): chr4:13,484,081, C>G on the plus strand (G>C on the coding strand, the complement: RAB28 is on the minus strand). VCF-style: chr4-13484081-C-G. GRCh37 (hg19) VCF-style: chr4-13485705-C-G.
Other names: c.70G>C, p.Gly24Arg (NM_001159601.2, NM_004249.4); short protein forms G24R.
Identifiers: ClinVar variation 955060 (VCV000955060.10), dbSNP rs1716750529, ClinGen allele CA356375136.
Genomic context (GRCh38, chr4:13,484,081, plus strand): 5'-GGGGACCGCCGGGGTTCCTGCAGGCCTGGGACGGCGGGCCTGCTCGAGGACTGACCTTCC[C>G]GGAGGCGCCGTCCCCCAGCACGACGATTTTCAGTTGCCGGTCCTGGCTCTCCTCCTCAGA-3'
Protein context (NP_001017979.1, residues 14-34): KIVVLGDGAS[Gly24Arg]KTSLTTCFAQ

ClinVar aggregate classification (germline): Uncertain significance (1 of 4 stars; one submission).

Submission:

Labcorp Genetics (formerly Invitae), Labcorp
Classification: Uncertain significance. Last evaluated: 2024-04-25. Review status: criteria provided, single submitter. Criteria: Invitae Variant Classification Sherloc (09022015). Collection method: clinical testing. Allele origin: germline.
Comment: This sequence change replaces glycine, which is neutral and non-polar, with arginine, which is basic and polar, at codon 24 of the RAB28 protein (p.Gly24Arg). This variant is not present in population databases (gnomAD no frequency). This missense change has been observed in individual(s) with cone dystrophy (Invitae). ClinVar contains an entry for this variant (Variation ID: 955060). An algorithm developed to predict the effect of missense changes on protein structure and function (PolyPhen-2) suggests that this variant is likely to be disruptive. In summary, the available evidence is currently insufficient to determine the role of this variant in disease. Therefore, it has been classified as a Variant of Uncertain Significance.